The following is an entry in ClinVar:

NM_001177701.3(IFT27):c.197C>T (p.Ala66Val)

Genes: CACNG2-DT (CACNG2 divergent transcript; plus strand), IFT27 (intraflagellar transport 27; minus strand), LOC126863139 (CDK7 strongly-dependent group 2 enhancer GRCh37_chr22:37161913-37163112; plus strand). Cytogenetic location: 22q12.3.
Variant type: single nucleotide variant.
Coding change: c.197C>T on transcript NM_001177701.3 (MANE Select); coding-DNA position 197, C replaced by T.
Protein change: p.Ala66Val; replaces alanine 66 with valine.
Molecular consequence: missense variant.
Genome position (GRCh38, 1-based): chr22:36,766,175, G>A on the plus strand (C>T on the coding strand, the complement: IFT27 is on the minus strand). VCF-style: chr22-36766175-G-A. GRCh37 (hg19) VCF-style: chr22-37162219-G-A.
Other names: c.194C>T (NM_006860.4); c.197C>T (NM_001177701.2, NM_001177701.1); c.197C>T, p.Ala66Val (NM_001363003.2); c.194C>T, p.Ala65Val (NM_006860.5); short protein forms A66V, A65V.
Identifiers: ClinVar variation 1481438 (VCV001481438.9), dbSNP rs765920708, ClinGen allele CA10212460.
Genomic context (GRCh38, chr22:36,766,175, plus strand): 5'-GAAAAAGACCACGTGCTACTTGCCAATTTATCCAGCATTTCCGAAAACAGCTCCTTGCCA[G>A]CAGAGTCAAAAATGAAGAGTTCCTACAATCAGAAAAGCAAGAAAAGTCTCCACGTGGAAA-3'
Protein context (NP_001171172.1, residues 56-76): DSVELFIFDS[Ala66Val]GKELFSEMLD

ClinVar aggregate classification (germline): Uncertain significance. Review status: criteria provided, multiple submitters, no conflicts (2 of 4 stars). 4 submissions from 4 submitters: Uncertain significance (3). 1 of the submissions does not count toward it. Last evaluated 2025-10-27.

Conditions:
IFT27-related disorder. Also called: IFT27-related condition.
Inborn genetic diseases. Identifiers: MedGen C0950123, MeSH D030342.

Allele frequency attached by ClinVar (database versions not stated): ExAC 0.00001; gnomAD 0.00001; gnomAD exomes 0.00002 and 0.00003; TOPMed 0.00002.
gnomAD v4.1: 12 of 1,614,006 alleles (0.00074%); highest among the groups gnomAD compares: Admixed American, 0.02%; no homozygotes.

Submissions (4):

Labcorp Genetics (formerly Invitae), Labcorp
Classification: Uncertain significance. Last evaluated: 2025-10-27. Review status: criteria provided, single submitter. Criteria: Invitae Variant Classification Sherloc (09022015). Collection method: clinical testing. Allele origin: germline.
Comment: This sequence change replaces alanine, which is neutral and non-polar, with valine, which is neutral and non-polar, at codon 65 of the IFT27 protein (p.Ala65Val). This variant is present in population databases (rs765920708, gnomAD 0.02%). This variant has not been reported in the literature in individuals affected with IFT27-related conditions. ClinVar contains an entry for this variant (Variation ID: 1481438). Invitae Evidence Modeling of protein sequence and biophysical properties (such as structural, functional, and spatial information, amino acid conservation, physicochemical variation, residue mobility, and thermodynamic stability) indicates that this missense variant is expected to disrupt IFT27 protein function with a positive predictive value of 95%. Algorithms developed to predict the effect of sequence changes on RNA splicing suggest that this variant may disrupt the consensus splice site. In summary, the available evidence is currently insufficient to determine the role of this variant in disease. Therefore, it has been classified as a Variant of Uncertain Significance.

Ambry Genetics
Classification: Uncertain significance for Inborn genetic diseases. Last evaluated: 2025-05-04. Review status: criteria provided, single submitter. Criteria: Ambry Variant Classification Scheme 2023. Collection method: clinical testing. Allele origin: germline.

GeneDx
Classification: Uncertain significance. Last evaluated: 2024-06-18. Review status: criteria provided, single submitter. Criteria: GeneDx Variant Classification Process June 2021. Collection method: clinical testing. Allele origin: germline. Affected: yes.
Comment: In silico analysis supports that this missense variant has a deleterious effect on protein structure/function; Has not been previously published as pathogenic or benign to our knowledge

PreventionGenetics, part of Exact Sciences
Classification: Uncertain significance for IFT27-related condition. Last evaluated: 2024-07-17. Review status: no assertion criteria provided. Collection method: clinical testing. Allele origin: germline. Not counted in ClinVar's aggregate classification.
Comment: The IFT27 c.194C>T variant is predicted to result in the amino acid substitution p.Ala65Val. To our knowledge, this variant has not been reported in the literature. This variant is reported in 0.020% of alleles in individuals of Latino descent in gnomAD. At this time, the clinical significance of this variant is uncertain due to the absence of conclusive functional and genetic evidence.